The following is an entry in ClinVar:

ClinVar aggregate classification (germline): Pathogenic/Likely pathogenic. Review status: criteria provided, multiple submitters, no conflicts (2 of 4 stars). 10 submissions from 10 submitters: Pathogenic (8); Likely pathogenic (1). 1 of the submissions does not count toward it. Last evaluated 2026-01-24.

Conditions:
Methylmalonic aciduria due to complete methylmalonyl-CoA mutase deficiency.
Methylmalonic acidemia (MMA). Also called: Isolated Methylmalonic Acidemia. Identifiers: MedGen C0268583, MeSH C537358, MONDO:0002012, HP:0002912.
Methylmalonic aciduria due to methylmalonyl-CoA mutase deficiency (MAMM). Also called: Methylmalonic aciduria, mut type. Identifiers: Orphanet 27, MedGen C1855114, MONDO:0009612, OMIM 251000.

Allele frequency attached by ClinVar (database versions not stated): gnomAD 0.00003 and 0.00002; gnomAD exomes 0.00003 and 0.00002; ExAC 0.00004; TOPMed 0.00002.
gnomAD v4.1: 32 of 1,613,178 alleles (0.002%); highest among the groups gnomAD compares: Middle Eastern, 0.049%; no homozygotes.

Submissions (10):

Labcorp Genetics (formerly Invitae), Labcorp
Classification: Pathogenic. Last evaluated: 2026-01-24. Review status: criteria provided, single submitter. Criteria: Invitae Variant Classification Sherloc (09022015). Collection method: clinical testing. Allele origin: germline.
Comment: This sequence change falls in intron 5 of the MUT gene. It does not directly change the encoded amino acid sequence of the MUT protein. This variant is present in population databases (rs777031588, gnomAD 0.02%). This variant has been observed in individual(s) with methylmalonic aciduria (PMID: 23430940; internal data). In at least one individual the data is consistent with being in trans (on the opposite chromosome) from a pathogenic variant. ClinVar contains an entry for this variant (Variation ID: 203845). Algorithms developed to predict the effect of sequence changes on RNA splicing suggest that this variant may disrupt the consensus splice site. For these reasons, this variant has been classified as Pathogenic.

GeneDx
Classification: Pathogenic. Last evaluated: 2025-01-15. Review status: criteria provided, single submitter. Criteria: GeneDx Variant Classification Process June 2021. Collection method: clinical testing. Allele origin: germline. Affected: yes.
Comment: Published functional studies demonstrate c.1084-10 A>G results in activation of a cryptic splice site, supporting a damaging effect (PMID: 27167370, 30041674); In silico analysis supports a deleterious effect on splicing; This variant is associated with the following publications: (PMID: 31622506, 30041674, 27167370, 23430940, 27591164, 34426522, 36717752, 34668645)

Natera, Inc.
Classification: Pathogenic for Methylmalonic aciduria due to complete methylmalonyl-CoA mutase deficiency. Last evaluated: 2024-11-25. Review status: criteria provided, single submitter. Criteria: Natera Variant Classification Schema (03/2026). Collection method: clinical testing. Allele origin: germline.
Comment: The c.1084-10A>G variant in MMUT is an intronic variant located outside the canonical splice sites. This variant is rare in the general population with a frequency below the threshold expected for the associated phenotype(s). This variant has been observed in one or more individuals affected with the associated recessive disease, as either homozygous or compound heterozygous with a second variant (PMID: 37420116, 27167370). Given the available evidence, this variant is classified as Pathogenic.

Revvity Omics, Revvity
Classification: Pathogenic for Methylmalonic aciduria due to methylmalonyl-CoA mutase deficiency. Last evaluated: 2023-07-18. Review status: criteria provided, single submitter. Criteria: ACMG Guidelines, 2015. Collection method: clinical testing. Allele origin: germline.

Laboratorio de Genetica e Diagnostico Molecular, Hospital Israelita Albert Einstein
Classification: Pathogenic for Methylmalonic aciduria due to methylmalonyl-CoA mutase deficiency. Last evaluated: 2023-04-24. Review status: criteria provided, single submitter. Criteria: ACMG Guidelines, 2015. Collection method: clinical testing. Allele origin: germline. Affected: yes.
Comment: ACMG classification criteria: PS3 supporting, PM2 supporting, PM3 very strong, PP3 supporting

Women's Health and Genetics/Laboratory Corporation of America, LabCorp
Classification: Pathogenic for Methylmalonic acidemia. Last evaluated: 2022-12-08. Review status: criteria provided, single submitter. Criteria: LabCorp Variant Classification Summary - May 2015. Collection method: clinical testing. Allele origin: germline.
Comment: Variant summary: MUT c.1084-10A>G alters a non-conserved nucleotide located close to a canonical splice site and therefore could affect mRNA splicing, leading to a significantly altered protein sequence. Several computational tools predict a significant impact on normal splicing: Three predict the variant abolishes/weakens a 3' acceptor site, and four predict it creates a new cryptic intronic 3' acceptor site. Experimental evidence supports these predictions demonstrating that this variant affects mRNA splicing (Forny_2016 and Brasil_2018). The variant allele was found at a frequency of 3.2e-05 in 248136 control chromosomes (gnomAD). c.1084-10A>G has been reported in the literature in the homozygous and compound heterozygous states in multiple individuals affected with Methylmalonic Acidemia (e.g. Liu_2012, Forny_2016, Devi_2017). These data indicate that the variant is very likely to be associated with disease. One publication reports a homozygous patient with less than 10% activity of Methylmalonyl-CoA mutase when compared to reference range (Forny_2016). Five clinical diagnostic laboratories have submitted clinical-significance assessments for this variant to ClinVar after 2014 and classified the variant as pathogenic (n=4) and likely pathogenic (n=1). Based on the evidence outlined above, the variant was classified as pathogenic.

Laboratory for Molecular Medicine, Mass General Brigham Personalized Medicine
Classification: Likely pathogenic for Methylmalonic acidemia. Last evaluated: 2022-06-30. Review status: criteria provided, single submitter. Criteria: ACMG Guidelines, 2015. Collection method: clinical testing. Allele origin: germline.
Comment: The c.1084-10A>G variant in MMUT has been reported in 3 compound heterozygote individuals and 1 homozygous individual with methylmalonic aciduria (Liu 2012 PMID: 23430940, Forny 2016 PMID: 27167370, Yu 2021 PMID: 34668645). It has also been identified in 0.02% (1/4828) of South Asian and 0.004% (2/41418) of African chromosomes by gnomAD v. 3. This variant has also been reported in ClinVar (Variation ID 203845). Studies have shown that this variant activates a cryptic splice site in intron 5 of the MMUT gene leading to an insertion that would disrupt the protein (Forny 2016 PMID: 27167370, Brasil 2018 PMID: 30041674). In summary, although additional studies are required to fully establish its clinical significance, this variant meets criteria to be classified as likely pathogenic for autosomal recessive methylmalonic acidemia. ACMG/AMP Criteria applied: PM3_S, PS3_M.

Eurofins Ntd Llc (ga)
Classification: Pathogenic. Last evaluated: 2018-03-16. Review status: criteria provided, single submitter. Criteria: EGL ClinVar v180209 classification definitions. Collection method: clinical testing. Allele origin: germline. Observed: 1 variant allele, 1 heterozygote.

Juno Genomics, Hangzhou Juno Genomics, Inc
Classification: Pathogenic for Methylmalonic aciduria due to methylmalonyl-CoA mutase deficiency. Review status: criteria provided, single submitter. Criteria: ACMG Guidelines, 2015. Collection method: clinical testing. Allele origin: germline.
Comment: Absent from controls (or at extremely low frequency if recessive) in Genome Aggregation Database.;For recessive disorders, detected in trans with a pathogenic variant.;Patient's phenotype or family history is highly specific for a disease with a single genetic etiology.;Null variant in a gene where loss of function (LOF) is a known mechanism of disease.

Counsyl
Classification: Likely pathogenic for Methylmalonic aciduria due to methylmalonyl-CoA mutase deficiency. Last evaluated: 2017-08-30. Review status: no assertion criteria provided. Collection method: clinical testing. Allele origin: unknown. Not counted in ClinVar's aggregate classification.

Literature cited by the submitters: PubMed 23430940 (cited by 4 submitters); PubMed 37420116 (cited by Natera, Inc.); PubMed 27167370 (cited by 4 submitters); PubMed 30041674 (cited by Women's Health and Genetics/Laboratory Corporation of America, LabCorp); PubMed 31622506 (cited by Women's Health and Genetics/Laboratory Corporation of America, LabCorp); PubMed 27591164 (cited by 3 submitters).

NM_000255.4(MMUT):c.1084-10A>G

Gene: MMUT (methylmalonyl-CoA mutase; minus strand). Cytogenetic location: 6p12.3.
Variant type: single nucleotide variant.
Coding change: c.1084-10A>G on transcript NM_000255.4 (MANE Select); 10 bases into the intron before coding-DNA position 1084, A replaced by G.
Molecular consequence: intron variant.
Genome position (GRCh38, 1-based): chr6:49,451,724, T>C on the plus strand (A>G on the coding strand, the complement: MMUT is on the minus strand). VCF-style: chr6-49451724-T-C. GRCh37 (hg19) VCF-style: chr6-49419437-T-C.
Identifiers: ClinVar variation 203845 (VCV000203845.28), dbSNP rs777031588, ClinGen allele CA312763.